The following is an entry in ClinVar:

ClinVar aggregate classification (germline): Uncertain significance. Review status: criteria provided, multiple submitters, no conflicts (2 of 4 stars). 2 submissions from 2 submitters: Uncertain significance (2). Last evaluated 2024-06-01.

Conditions:
Intellectual developmental disorder, autosomal dominant 6, with or without seizures. Also called: GRIN2B-related developmental delay, intellectual disability and autism spectrum disorder; Intellectual disability, autosomal dominant 6. Identifiers: Orphanet 589547, MedGen C3151411, MONDO:0013509, OMIM 613970.
Developmental and epileptic encephalopathy, 27 (DEE27). Also called: Epileptic encephalopathy, early infantile, 27; GRIN2B-Related Neurodevelopmental Disorder. Identifiers: Orphanet 3451, MedGen C4015316, MONDO:0014505, OMIM 616139.

Allele frequency attached by ClinVar (database versions not stated): gnomAD exomes 0.00001.
gnomAD v4.1: 13 of 1,614,090 alleles (0.00081%); highest among the groups gnomAD compares: Non-Finnish European, 0.00085%; no homozygotes.

Submissions (2):

CeGaT Center for Human Genetics Tuebingen
Classification: Uncertain significance. Last evaluated: 2024-06-01. Review status: criteria provided, single submitter. Criteria: CeGaT Center For Human Genetics Tuebingen Variant Classification Criteria Version 2. Collection method: clinical testing. Allele origin: germline. Affected: yes. Observed: 1 variant allele.
Comment: GRIN2B: PM2

Labcorp Genetics (formerly Invitae), Labcorp
Classification: Uncertain significance for Developmental and epileptic encephalopathy, 27; Intellectual developmental disorder, autosomal dominant 6, with or without seizures. Last evaluated: 2023-05-25. Review status: criteria provided, single submitter. Criteria: Invitae Variant Classification Sherloc (09022015). Collection method: clinical testing. Allele origin: germline.
Comment: In summary, the available evidence is currently insufficient to determine the role of this variant in disease. Therefore, it has been classified as a Variant of Uncertain Significance. Advanced modeling of protein sequence and biophysical properties (such as structural, functional, and spatial information, amino acid conservation, physicochemical variation, residue mobility, and thermodynamic stability) has been performed at Invitae for this missense variant, however the output from this modeling did not meet the statistical confidence thresholds required to predict the impact of this variant on GRIN2B protein function. This variant has not been reported in the literature in individuals affected with GRIN2B-related conditions. This variant is present in population databases (no rsID available, gnomAD 0.03%). This sequence change replaces arginine, which is basic and polar, with tryptophan, which is neutral and slightly polar, at codon 1241 of the GRIN2B protein (p.Arg1241Trp).

NM_000834.5(GRIN2B):c.3721C>T (p.Arg1241Trp)

Gene: GRIN2B (glutamate ionotropic receptor NMDA type subunit 2B; minus strand). Cytogenetic location: 12p13.1.
Variant type: single nucleotide variant.
Coding change: c.3721C>T on transcript NM_000834.5 (MANE Select); coding-DNA position 3721, C replaced by T.
Protein change: p.Arg1241Trp; replaces arginine 1241 with tryptophan.
Molecular consequence: missense variant.
Genome position (GRCh38, 1-based): chr12:13,563,517, G>A on the plus strand (C>T on the coding strand, the complement: GRIN2B is on the minus strand). VCF-style: chr12-13563517-G-A. GRCh37 (hg19) VCF-style: chr12-13716451-G-A.
Other names: c.3721C>T, p.Arg1241Trp (NM_001413992.1); short protein forms R1241W.
Identifiers: ClinVar variation 2922657 (VCV002922657.21), dbSNP rs1212471451, ClinGen allele CA383987643.
Genomic context (GRCh38, chr12:13,563,517, plus strand): 5'-GCAGGGAGTTGTCCTCACTGATGTCATACAGGTTGCCTGCTTTCTTGCAAGCCTCACACC[G>A]GATGCACGCCTGCCTGCCCGAGTTCTGACCCGTCACCGTCGTGGAGTAGTTGTGCAGCTT-3'
Protein context (NP_000825.2, residues 1231-1251): GQNSGRQACI[Arg1241Trp]CEACKKAGNL